The following is an entry in ClinVar:

ClinVar aggregate classification (germline): Uncertain significance (1 of 4 stars; one submission).

gnomAD v4.1: 2 of 1,591,774 alleles (0.00013%); highest among the groups gnomAD compares: Admixed American, 0.0036%; no homozygotes.

Submission:

Labcorp Genetics (formerly Invitae), Labcorp
Classification: Uncertain significance. Last evaluated: 2022-03-19. Review status: criteria provided, single submitter. Criteria: Invitae Variant Classification Sherloc (09022015). Collection method: clinical testing. Allele origin: germline.
Comment: This sequence change replaces glutamine, which is neutral and polar, with histidine, which is basic and polar, at codon 3051 of the PCLO protein (p.Gln3051His). This variant is not present in population databases (gnomAD no frequency). This variant has not been reported in the literature in individuals affected with PCLO-related conditions. Algorithms developed to predict the effect of missense changes on protein structure and function are either unavailable or do not agree on the potential impact of this missense change (SIFT: "Deleterious"; PolyPhen-2: "Not Available"; Align-GVGD: "Class C0"). In summary, the available evidence is currently insufficient to determine the role of this variant in disease. Therefore, it has been classified as a Variant of Uncertain Significance.

NM_033026.6(PCLO):c.9153A>T (p.Gln3051His)

Gene: PCLO (piccolo presynaptic cytomatrix protein; minus strand). Cytogenetic location: 7q21.11.
Variant type: single nucleotide variant.
Coding change: c.9153A>T on transcript NM_033026.6 (MANE Select); coding-DNA position 9153, A replaced by T.
Protein change: p.Gln3051His; replaces glutamine 3051 with histidine.
Molecular consequence: missense variant.
Genome position (GRCh38, 1-based): chr7:82,951,435, T>A on the plus strand (A>T on the coding strand, the complement: PCLO is on the minus strand). VCF-style: chr7-82951435-T-A. GRCh37 (hg19) VCF-style: chr7-82580751-T-A.
Other names: c.9153A>T, p.Gln3051His (NM_014510.3); short protein forms Q3051H.
Identifiers: ClinVar variation 2114338 (VCV002114338.1), dbSNP rs772743877, ClinGen allele CA367909091.